The following is an entry in ClinVar:

ClinVar aggregate classification (germline): Likely benign. Review status: criteria provided, multiple submitters, no conflicts (2 of 4 stars). 2 submissions from 2 submitters: Likely benign (2). Last evaluated 2025-07-23.

Conditions:
Alagille syndrome due to a JAG1 point mutation. Also called: HEPATIC DUCTULAR HYPOPLASIA, SYNDROMATIC; JAG1-Related Alagille Syndrome; Alagille Syndrome 1. Identifiers: Orphanet 261619, Orphanet 52, MedGen C1956125, MONDO:0016862, OMIM 118450.

Allele frequency attached by ClinVar (database versions not stated): 1000 Genomes Project 0.00020; gnomAD exomes 0.00001; 1000 Genomes Project 30x 0.00016; gnomAD 0.00001.
gnomAD v4.1: 11 of 1,612,858 alleles (0.00068%); highest among the groups gnomAD compares: East Asian, 0.0045%; no homozygotes.

Submissions (2):

Labcorp Genetics (formerly Invitae), Labcorp
Classification: Likely benign for Alagille syndrome due to a JAG1 point mutation. Last evaluated: 2025-07-23. Review status: criteria provided, single submitter. Criteria: Invitae Variant Classification Sherloc (09022015). Collection method: clinical testing. Allele origin: germline.

Victorian Clinical Genetics Services, Murdoch Childrens Research Institute
Classification: Likely benign for Alagille syndrome due to a JAG1 point mutation. Last evaluated: 2022-02-02. Review status: criteria provided, single submitter. Criteria: ACMG Guidelines, 2015. Collection method: clinical testing. Allele origin: germline. Inheritance: Autosomal dominant inheritance.
Comment: Based on the classification scheme VCGS_Germline_v1.3.4, this variant is classified as Likely benign. Following criteria are met: 0102 - Loss of function is a known mechanism of disease in this gene and is associated with Alagille syndrome 1 (MIM#118450) and Tetralogy of Fallot (MIM#187500). (I) 0107 - This gene is associated with autosomal dominant disease. (I) 0200 - Variant is predicted to result in a missense amino acid change from arginine to histidine. (I) 0251 - This variant is heterozygous. (I) 0302 - Variant is present in gnomAD (v2) <0.001 for a dominant condition (2 heterozygotes, 0 homozygotes). (SP) 0309 - An alternative amino acid change at the same position has been observed in gnomAD (v2) (5 heterozygotes, 0 homozygotes). (I) 0503 - Missense variant consistently predicted to be tolerated by multiple in silico tools or not conserved in placental mammals with a minor amino acid change. (SB) 0600 - Variant is located in the annotated EGF-like domain (NCBI, Uniprot). (I) 0705 - No comparable missense variants have previous evidence for pathogenicity. However, an alternative change of stronger Grantham score (p.(Arg683Cys)) has been reported as a VUS (LOVD). (I) 0806 - This variant has moderate previous evidence of being benign in unrelated individuals. This variant has been observed in an individual with extrahepatic biliary atresia (PMID: 29707407), but also described twice as a rare polymorphism or as likely benign, where the variant as once inherited from a healthy parent (PMID: 24748328, PMID: 31595668). (SB) 0905 - No published segregation evidence has been identified for this variant. (I) 1007 - No published functional evidence has been identified for this variant. (I) 1208 - Inheritance information for this variant is not currently available in this individual. (I) Legend: (SP) - Supporting pathogenic, (I) - Information, (SB) - Supporting benign

Literature cited by the submitters: PubMed 24748328 (cited by Victorian Clinical Genetics Services, Murdoch Childrens Research Institute); PubMed 29707407 (cited by Victorian Clinical Genetics Services, Murdoch Childrens Research Institute); PubMed 31595668 (cited by Victorian Clinical Genetics Services, Murdoch Childrens Research Institute).

NM_000214.3(JAG1):c.2048G>A (p.Arg683His)

Gene: JAG1 (jagged canonical Notch ligand 1; minus strand). Cytogenetic location: 20p12.2.
Variant type: single nucleotide variant.
Coding change: c.2048G>A on transcript NM_000214.3 (MANE Select); coding-DNA position 2048, G replaced by A.
Protein change: p.Arg683His; replaces arginine 683 with histidine.
Molecular consequence: missense variant.
Genome position (GRCh38, 1-based): chr20:10,645,421, C>T on the plus strand (G>A on the coding strand, the complement: JAG1 is on the minus strand). VCF-style: chr20-10645421-C-T. GRCh37 (hg19) VCF-style: chr20-10626069-C-T.
Other names: short protein forms R683H.
Identifiers: ClinVar variation 1699152 (VCV001699152.8), dbSNP rs200929472, ClinGen allele CA311345817.